The following is an entry in ClinVar:

NM_001371986.1(UNC80):c.9019T>C (p.Ser3007Pro)

Gene: UNC80 (unc-80 subunit of NALCN channel complex; plus strand). Cytogenetic location: 2q34.
Variant type: single nucleotide variant.
Coding change: c.9019T>C on transcript NM_001371986.1 (MANE Select); coding-DNA position 9019, T replaced by C.
Protein change: p.Ser3007Pro; replaces serine 3007 with proline.
Molecular consequence: missense variant.
Genome position (GRCh38, 1-based): chr2:209,978,609, T>C. VCF-style: chr2-209978609-T-C. GRCh37 (hg19) VCF-style: chr2-210843333-T-C.
Other names: c.8821T>C, p.Ser2941Pro (NM_032504.2); c.8806T>C, p.Ser2936Pro (NM_182587.4); short protein forms S2936P, S2941P, S3007P.
Identifiers: ClinVar variation 2092150 (VCV002092150.4), dbSNP rs1202125962, ClinGen allele CA350414543.

ClinVar aggregate classification (germline): Uncertain significance (1 of 4 stars; one submission).

Allele frequency attached by ClinVar (database versions not stated): gnomAD exomes below 0.00001; gnomAD 0.00001.
gnomAD v4.1: 5 of 1,551,452 alleles (0.00032%); highest among the groups gnomAD compares: Non-Finnish European, 0.00035%; no homozygotes.

Submission:

Labcorp Genetics (formerly Invitae), Labcorp
Classification: Uncertain significance. Last evaluated: 2022-02-02. Review status: criteria provided, single submitter. Criteria: Invitae Variant Classification Sherloc (09022015). Collection method: clinical testing. Allele origin: germline.
Comment: In summary, the available evidence is currently insufficient to determine the role of this variant in disease. Therefore, it has been classified as a Variant of Uncertain Significance. Algorithms developed to predict the effect of missense changes on protein structure and function are either unavailable or do not agree on the potential impact of this missense change (SIFT: "Not Available"; PolyPhen-2: "Probably Damaging"; Align-GVGD: "Not Available"). This variant has not been reported in the literature in individuals affected with UNC80-related conditions. This variant is not present in population databases (gnomAD no frequency). This sequence change replaces serine, which is neutral and polar, with proline, which is neutral and non-polar, at codon 2941 of the UNC80 protein (p.Ser2941Pro).